The following is an entry in ClinVar:

ClinVar aggregate classification (germline): Uncertain significance. Review status: criteria provided, multiple submitters, no conflicts (2 of 4 stars). 2 submissions from 2 submitters: Uncertain significance (2). Last evaluated 2025-05-27.

Conditions:
Baller-Gerold syndrome (BGS). Also called: CRANIOSYNOSTOSIS WITH RADIAL DEFECTS. Identifiers: Orphanet 1225, MedGen C0265308, MONDO:0009039, OMIM 218600.
Inborn genetic diseases. Identifiers: MedGen C0950123, MeSH D030342.

Allele frequency attached by ClinVar (database versions not stated): gnomAD 0.00001; gnomAD exomes 0.00001.
gnomAD v4.1: 10 of 1,591,990 alleles (0.00063%); highest among the groups gnomAD compares: Non-Finnish European, 0.00085%; no homozygotes.

Submissions (2):

Ambry Genetics
Classification: Uncertain significance for Inborn genetic diseases. Last evaluated: 2025-05-27. Review status: criteria provided, single submitter. Criteria: Ambry Variant Classification Scheme 2023. Collection method: clinical testing. Allele origin: germline.
Comment: The p.R60H variant (also known as c.179G>A), located in coding exon 3 of the RECQL4 gene, results from a G to A substitution at nucleotide position 179. The arginine at codon 60 is replaced by histidine, an amino acid with highly similar properties. This amino acid position is conserved. In addition, this alteration is predicted to be tolerated by in silico analysis. Based on the available evidence, the clinical significance of this variant remains unclear.

Labcorp Genetics (formerly Invitae), Labcorp
Classification: Uncertain significance for Baller-Gerold syndrome. Last evaluated: 2023-12-11. Review status: criteria provided, single submitter. Criteria: Invitae Variant Classification Sherloc (09022015). Collection method: clinical testing. Allele origin: germline.
Comment: This sequence change replaces arginine, which is basic and polar, with histidine, which is basic and polar, at codon 60 of the RECQL4 protein (p.Arg60His). The frequency data for this variant in the population databases is considered unreliable, as metrics indicate poor data quality at this position in the gnomAD database. This variant has not been reported in the literature in individuals affected with RECQL4-related conditions. ClinVar contains an entry for this variant (Variation ID: 575288). Algorithms developed to predict the effect of missense changes on protein structure and function output the following: SIFT: "Not Available"; PolyPhen-2: "Not Available"; Align-GVGD: "Not Available". The histidine amino acid residue is found in multiple mammalian species, which suggests that this missense change does not adversely affect protein function. In summary, the available evidence is currently insufficient to determine the role of this variant in disease. Therefore, it has been classified as a Variant of Uncertain Significance.

NM_004260.4(RECQL4):c.179G>A (p.Arg60His)

Genes: RECQL4 (RecQ like helicase 4; minus strand), LOC130001411 (ATAC-STARR-seq lymphoblastoid silent region 19699; plus strand). Cytogenetic location: 8q24.3.
Variant type: single nucleotide variant.
Coding change: c.179G>A on transcript NM_004260.4 (MANE Select); coding-DNA position 179, G replaced by A.
Protein change: p.Arg60His; replaces arginine 60 with histidine.
Molecular consequence: missense variant.
Genome position (GRCh38, 1-based): chr8:144,517,448, C>T on the plus strand (G>A on the coding strand, the complement: RECQL4 is on the minus strand). VCF-style: chr8-144517448-C-T. GRCh37 (hg19) VCF-style: chr8-145742832-C-T.
Other names: short protein forms R60H.
Identifiers: ClinVar variation 575288 (VCV000575288.8), dbSNP rs1060501374, ClinGen allele CA372692597.